The following is an entry in ClinVar:

NM_022835.3(PLEKHG2):c.3889G>C (p.Gly1297Arg)

Gene: PLEKHG2 (pleckstrin homology and RhoGEF domain containing G2; plus strand). Cytogenetic location: 19q13.2.
Variant type: single nucleotide variant.
Coding change: c.3889G>C on transcript NM_022835.3 (MANE Select); coding-DNA position 3889, G replaced by C.
Protein change: p.Gly1297Arg; replaces glycine 1297 with arginine.
Molecular consequence: missense variant. On other transcripts: intron variant (2).
Genome position (GRCh38, 1-based): chr19:39,425,022, G>C. VCF-style: chr19-39425022-G-C. GRCh37 (hg19) VCF-style: chr19-39915662-G-C.
Other names: c.3572+140G>C (NM_001351693.2); c.1678-216G>C (NM_001351694.2); short protein forms G1297R.
Identifiers: ClinVar variation 708133 (VCV000708133.54), dbSNP rs202077408, ClinGen allele CA9430080.

ClinVar aggregate classification (germline): Likely benign. Review status: criteria provided, multiple submitters, no conflicts (2 of 4 stars). 5 submissions from 5 submitters: Likely benign (4). 1 of the submissions does not count toward it. Last evaluated 2026-09-01.

Conditions:
PLEKHG2-related disorder. Also called: PLEKHG2-related condition.

Allele frequency attached by ClinVar (database versions not stated): 1000 Genomes Project 30x 0.00109; 1000 Genomes Project 0.00120; ESP Exome Variant Server 0.00210; TOPMed 0.00248; ExAC 0.00280; gnomAD 0.00293 and 0.00309.

Submissions (5):

CeGaT Center for Human Genetics Tuebingen
Classification: Likely benign. Last evaluated: 2026-09-01. Review status: criteria provided, single submitter. Criteria: CeGaT Center For Human Genetics Tuebingen Variant Classification Criteria Version 2. Collection method: clinical testing. Allele origin: germline. Affected: yes. Observed: 14 variant alleles.
Comment: PLEKHG2: BS2

Labcorp Genetics (formerly Invitae), Labcorp
Classification: Likely benign. Last evaluated: 2026-01-05. Review status: criteria provided, single submitter. Criteria: Invitae Variant Classification Sherloc (09022015). Collection method: clinical testing. Allele origin: germline.

Blueprint Genetics
Classification: Likely benign. Last evaluated: 2024-11-25. Review status: criteria provided, single submitter. Criteria: ACMG Guidelines, 2015. Collection method: clinical testing. Allele origin: germline.

Breakthrough Genomics
Classification: Likely benign. Review status: criteria provided, single submitter. Criteria: ACMG Guidelines, 2015. Collection method: not provided. Allele origin: germline. Inheritance: Autosomal recessive inheritance. Affected: yes.

PreventionGenetics, part of Exact Sciences
Classification: Likely benign for PLEKHG2-related condition. Last evaluated: 2020-03-23. Review status: no assertion criteria provided. Collection method: clinical testing. Allele origin: germline. Not counted in ClinVar's aggregate classification.
Comment: This variant is classified as likely benign based on ACMG/AMP sequence variant interpretation guidelines (Richards et al. 2015 PMID: 25741868, with internal and published modifications).